The following is an entry in ClinVar:

ClinVar aggregate classification (germline): Uncertain significance (1 of 4 stars; one submission).

Allele frequency attached by ClinVar (database versions not stated): TOPMed 0.00001; gnomAD 0.00003.
gnomAD v4.1: 4 of 1,614,114 alleles (0.00025%); highest among the groups gnomAD compares: African/African-American, 0.0053%; no homozygotes.

Submission:

Labcorp Genetics (formerly Invitae), Labcorp
Classification: Uncertain significance. Last evaluated: 2022-11-08. Review status: criteria provided, single submitter. Criteria: Invitae Variant Classification Sherloc (09022015). Collection method: clinical testing. Allele origin: germline.
Comment: This variant has not been reported in the literature in individuals affected with NLRP1-related conditions. This variant is not present in population databases (gnomAD no frequency). This sequence change replaces glycine, which is neutral and non-polar, with tryptophan, which is neutral and slightly polar, at codon 352 of the NLRP1 protein (p.Gly352Trp). Algorithms developed to predict the effect of missense changes on protein structure and function are either unavailable or do not agree on the potential impact of this missense change (SIFT: "Deleterious"; PolyPhen-2: "Probably Damaging"; Align-GVGD: "Class C0"). In summary, the available evidence is currently insufficient to determine the role of this variant in disease. Therefore, it has been classified as a Variant of Uncertain Significance.

NM_033004.4(NLRP1):c.1054G>T (p.Gly352Trp)

Gene: NLRP1 (NLR family pyrin domain containing 1; minus strand). Cytogenetic location: 17p13.2.
Variant type: single nucleotide variant.
Coding change: c.1054G>T on transcript NM_033004.4 (MANE Select); coding-DNA position 1054, G replaced by T.
Protein change: p.Gly352Trp; replaces glycine 352 with tryptophan.
Molecular consequence: missense variant.
Genome position (GRCh38, 1-based): chr17:5,559,642, C>A on the plus strand (G>T on the coding strand, the complement: NLRP1 is on the minus strand). VCF-style: chr17-5559642-C-A. GRCh37 (hg19) VCF-style: chr17-5462962-C-A.
Other names: c.1054G>T, p.Gly352Trp (NM_001033053.3, NM_014922.5, NM_033006.4 and 1 more transcripts); short protein forms G352W.
Identifiers: ClinVar variation 2172746 (VCV002172746.4), dbSNP rs752816859, ClinGen allele CA397387139.